The following is an entry in ClinVar:

NM_000349.3(STAR):c.473AGA[1] (p.Lys159del)

Gene: STAR (steroidogenic acute regulatory protein; minus strand). Cytogenetic location: 8p11.23.
Variant type: Microsatellite.
Coding change: c.473AGA[1] on transcript NM_000349.3 (MANE Select); one copy of the 3-base unit AGA starting at c.473; the reference has two copies in a row; one copy, 3 bases deleted; also written c.476_478del.
Protein change: p.Lys159del; deletes lysine 159.
Genome position (GRCh38, 1-based): chr8:38,146,135-38,146,137, TCT deleted on the plus strand (AGA on the coding strand, the reverse complement: STAR is on the minus strand); deleting any 3 consecutive bases within chr8:38,146,135-38,146,140 gives the same sequence; the position shown is the placement nearest the transcript's 3' end. VCF-style (leftmost placement, unchanged base first): chr8-38146134-ATCT-A. GRCh37 (hg19) VCF-style: chr8-38003652-ATCT-A.
Other names: c.476_478del (NM_000349.3); short protein forms K159del.
Identifiers: ClinVar variation 3767978 (VCV003767978.1).

ClinVar aggregate classification (germline): Uncertain significance (1 of 4 stars; one submission).

Conditions:
Congenital lipoid adrenal hyperplasia due to STAR deficency. Also called: Congenital Lipoid Adrenal Hyperplasia; Lipoid adrenal hyperplasia; Cholesterol monooxygenase (side-chain cleaving) deficiency; ADRENAL HYPERPLASIA I. Identifiers: Orphanet 418, Orphanet 90790, MedGen C0342474, MONDO:0008725, OMIM 201710.

Submission:

Diagnostics Services (NGS), CSIR - Centre For Cellular And Molecular Biology
Classification: Uncertain significance for Congenital lipoid adrenal hyperplasia due to STAR deficency. Last evaluated: 2025-02-19. Review status: criteria provided, single submitter. Criteria: ACMG Guidelines, 2015. Collection method: clinical testing. Allele origin: germline. Affected: yes. Observed: 1 variant allele, 1 homozygote.
Comment: The c.476_478del variant is not present in publicly available population databases like 1000 Genomes, EVS, gnomAD, Indian Exome Database or our internal database. The variant has neither been reported in the literature in individuals affected with STAR-related conditions nor reported to the clinical databases like Human Genome Mutation Database (HGMD), ClinVar or OMIM in any affected individuals. In-silico pathogenicity prediction programs like MutationTaster2021, CADD, Varsome etc predicted this variant to be likely deleterious however these predictions were not confirmed by published functional studies. This variant causes in-frame deletion of a single amino acid that changes the protein coding length.